The following is an entry in ClinVar:

NM_052844.4(DYNC2I2):c.888A>G (p.Leu296=)

Genes: DYNC2I2 (dynein 2 intermediate chain 2; minus strand), LOC126860772 (CDK7 strongly-dependent group 2 enhancer GRCh37_chr9:131396972-131398171; plus strand). Cytogenetic location: 9q34.11.
Variant type: single nucleotide variant.
Coding change: c.888A>G on transcript NM_052844.4 (MANE Select); coding-DNA position 888, A replaced by G.
Protein change: p.Leu296=; no amino-acid change (leucine 296 retained).
Molecular consequence: synonymous variant.
Genome position (GRCh38, 1-based): chr9:128,635,185, T>C on the plus strand (A>G on the coding strand, the complement: DYNC2I2 is on the minus strand). VCF-style: chr9-128635185-T-C. GRCh37 (hg19) VCF-style: chr9-131397464-T-C.
Identifiers: ClinVar variation 474850 (VCV000474850.39), dbSNP rs140034879, ClinGen allele CA5266424.

ClinVar aggregate classification (germline): Benign. Review status: criteria provided, multiple submitters, no conflicts (2 of 4 stars). 4 submissions from 4 submitters: Benign (4). Last evaluated 2026-01-27.

Conditions:
Short-rib thoracic dysplasia 11 with or without polydactyly (SRTD11). Also called: SHORT-RIB THORACIC DYSPLASIA 11 WITHOUT POLYDACTYLY. Identifiers: Orphanet 474, Orphanet 93271, MedGen C3810200, MONDO:0014287, OMIM 615633.

Allele frequency attached by ClinVar (database versions not stated): 1000 Genomes Project 0.00419; 1000 Genomes Project 30x 0.00437; ExAC 0.00739; gnomAD 0.00761; TOPMed 0.00818; ESP Exome Variant Server 0.00938.
gnomAD v4.1: 21,652 of 1,613,284 alleles (1.3%); highest among the groups gnomAD compares: Non-Finnish European, 1.7%; 186 homozygotes.

Submissions (4):

Labcorp Genetics (formerly Invitae), Labcorp
Classification: Benign for Short-rib thoracic dysplasia 11 with or without polydactyly. Last evaluated: 2026-01-27. Review status: criteria provided, single submitter. Criteria: Invitae Variant Classification Sherloc (09022015). Collection method: clinical testing. Allele origin: germline.

CeGaT Center for Human Genetics Tuebingen
Classification: Benign. Last evaluated: 2023-03-01. Review status: criteria provided, single submitter. Criteria: CeGaT Center For Human Genetics Tuebingen Variant Classification Criteria Version 2. Collection method: clinical testing. Allele origin: germline. Affected: yes. Observed: 1 variant allele.
Comment: DYNC2I2: BP4, BS1, BS2

GeneDx
Classification: Benign. Last evaluated: 2020-11-30. Review status: criteria provided, single submitter. Criteria: GeneDx Variant Classification Process June 2021. Collection method: clinical testing. Allele origin: germline. Affected: yes.

Breakthrough Genomics
Classification: Benign. Review status: criteria provided, single submitter. Criteria: ACMG Guidelines, 2015. Collection method: not provided. Allele origin: germline. Inheritance: Autosomal recessive inheritance. Affected: yes.